The following is an entry in ClinVar:

NM_000875.5(IGF1R):c.3578C>G (p.Ser1193Trp)

Gene: IGF1R (insulin like growth factor 1 receptor; plus strand). Cytogenetic location: 15q26.3.
Variant type: single nucleotide variant.
Coding change: c.3578C>G on transcript NM_000875.5 (MANE Select); coding-DNA position 3578, C replaced by G.
Protein change: p.Ser1193Trp; replaces serine 1193 with tryptophan.
Molecular consequence: missense variant.
Genome position (GRCh38, 1-based): chr15:98,943,043, C>G. VCF-style: chr15-98943043-C-G. GRCh37 (hg19) VCF-style: chr15-99486272-C-G.
Other names: c.3575C>G, p.Ser1192Trp (NM_001291858.2); short protein forms S1192W, S1193W.
Identifiers: ClinVar variation 2662030 (VCV002662030.2), dbSNP rs2151719218, ClinGen allele CA393661756.

ClinVar aggregate classification (germline): Likely pathogenic (1 of 4 stars; one submission).

Submission:

GeneDx
Classification: Likely pathogenic. Last evaluated: 2024-11-06. Review status: criteria provided, single submitter. Criteria: GeneDx Variant Classification Process June 2021. Collection method: clinical testing. Allele origin: germline.
Comment: Not observed at significant frequency in large population cohorts (gnomAD); In silico analysis supports that this missense variant has a deleterious effect on protein structure/function; Has not been previously published as pathogenic or benign to our knowledge